The following is an entry in ClinVar:

ClinVar aggregate classification (germline): Uncertain significance. Review status: criteria provided, multiple submitters, no conflicts (2 of 4 stars). 4 submissions from 4 submitters: Uncertain significance (4). Last evaluated 2022-09-27.

Conditions:
Sarcotubular myopathy (LGMDR8). Also called: Hutterite type of muscular dystrophy; Autosomal recessive limb-girdle muscular dystrophy type 2H; MUSCULAR DYSTROPHY, LIMB-GIRDLE, AUTOSOMAL RECESSIVE 8; Limb-girdle muscular dystrophy, type 2H. Identifiers: Orphanet 1878, MedGen C0270968, MONDO:0009683, OMIM 254110.
Bardet-Biedl syndrome 11 (BBS11). Identifiers: Orphanet 110, MedGen C1859569, MONDO:0014439, OMIM 615988.
TRIM32-related disorder. Also called: TRIM32-related condition.
Bardet-Biedl syndrome (BBS). Identifiers: Orphanet 110, MedGen C0752166, MONDO:0015229.

Allele frequency attached by ClinVar (database versions not stated): ExAC 0.00002; gnomAD exomes 0.00002 and 0.00003.
gnomAD v4.1: 11 of 1,614,112 alleles (0.00068%); highest among the groups gnomAD compares: South Asian, 0.0099%; no homozygotes.

Submissions (4):

PreventionGenetics, part of Exact Sciences
Classification: Uncertain significance for TRIM32-related condition. Last evaluated: 2022-09-27. Review status: criteria provided, single submitter. Criteria: ACMG Guidelines, 2015. Collection method: clinical testing. Allele origin: germline.
Comment: The TRIM32 c.488T>C variant is predicted to result in the amino acid substitution p.Leu163Pro. To our knowledge, this variant has not been reported in the literature. This variant is reported in 0.016% of alleles in individuals of South Asian descent in gnomAD. At this time, the clinical significance of this variant is uncertain due to the absence of conclusive functional and genetic evidence.

Labcorp Genetics (formerly Invitae), Labcorp
Classification: Uncertain significance for Bardet-Biedl syndrome. Last evaluated: 2022-08-31. Review status: criteria provided, single submitter. Criteria: Invitae Variant Classification Sherloc (09022015). Collection method: clinical testing. Allele origin: germline.
Comment: This sequence change replaces leucine, which is neutral and non-polar, with proline, which is neutral and non-polar, at codon 163 of the TRIM32 protein (p.Leu163Pro). This variant is present in population databases (rs775940650, gnomAD 0.02%). This missense change has been observed in individual(s) with TRIM32-related conditions (Invitae). ClinVar contains an entry for this variant (Variation ID: 576739). Algorithms developed to predict the effect of missense changes on protein structure and function (SIFT, PolyPhen-2, Align-GVGD) all suggest that this variant is likely to be disruptive. In summary, the available evidence is currently insufficient to determine the role of this variant in disease. Therefore, it has been classified as a Variant of Uncertain Significance.

Fulgent Genetics
Classification: Uncertain significance for Sarcotubular myopathy; Bardet-Biedl syndrome 11. Last evaluated: 2022-05-09. Review status: criteria provided, single submitter. Criteria: ACMG Guidelines, 2015. Collection method: clinical testing. Allele origin: unknown.

Kariminejad - Najmabadi Pathology & Genetics Center
Classification: Uncertain significance for Bardet-Biedl syndrome 11; Sarcotubular myopathy. Last evaluated: 2022-01-22. Review status: criteria provided, single submitter. Criteria: ACMG Guidelines, 2015. Collection method: clinical testing. Allele origin: germline. Inheritance: Autosomal recessive inheritance. Affected: yes. Observed: 2 variant alleles.
Comment: PM2, PP3

NM_012210.4(TRIM32):c.488T>C (p.Leu163Pro)

Genes: ASTN2 (astrotactin 2; minus strand), TRIM32 (tripartite motif containing 32; plus strand). Cytogenetic location: 9q33.1.
Variant type: single nucleotide variant.
Coding change: c.488T>C on transcript NM_012210.4 (MANE Select); coding-DNA position 488, T replaced by C.
Protein change: p.Leu163Pro; replaces leucine 163 with proline.
Molecular consequence: missense variant. On other transcripts: intron variant (3).
Genome position (GRCh38, 1-based): chr9:116,698,230, T>C. VCF-style: chr9-116698230-T-C. GRCh37 (hg19) VCF-style: chr9-119460509-T-C.
Other names: c.488T>C, p.Leu163Pro (NM_001099679.2, NM_001379048.1, NM_001379049.1 and 1 more transcripts); c.2653+27541A>G (NM_014010.5); c.2794+27541A>G (NM_001365069.1); c.2806+27541A>G (NM_001365068.1); short protein forms L163P.
Identifiers: ClinVar variation 576739 (VCV000576739.7), dbSNP rs775940650, ClinGen allele CA5210992.